The following is an entry in ClinVar:

NC_000003.12:g.120655369_120682240del

Gene: HGD (homogentisate 1,2-dioxygenase; minus strand). Cytogenetic location: 3q13.33.
Variant type: Deletion.
Identifiers: ClinVar variation 2584688 (VCV002584688.2).

ClinVar aggregate classification (germline): Pathogenic (0 of 4 stars; one submission).

Conditions:
Alkaptonuria (AKU). Also called: Alkaptonuric ochronosis; Homogentisic acidura; HOMOGENTISIC ACID OXIDASE DEFICIENCY; Alcaptonuria. Identifiers: Orphanet 56, MedGen C0002066, MONDO:0008753, OMIM 203500.

Submission:

Department Of Human Genetics, Institute Of Clinical And Translational Research, Biomedical Research Center, Slovak Academy Of Sciences
Classification: Pathogenic for Alkaptonuria. Review status: no assertion criteria provided. Collection method: research. Allele origin: germline. Inheritance: Autosomal recessive inheritance. Affected: yes. Observed: 1 variant allele.
Comment: Variant was identified by MLPA as a deletion of exons 1-4 (reported in PMID:30737480). Deletion breakpoints were reported in PMID:35110678. It has been submitted to the HGD gene mutation database (DB-ID: AKU_00200).

Literature cited by the submitters: PubMed 30737480.